The following is an entry in ClinVar:

ClinVar aggregate classification (germline): Uncertain significance (1 of 4 stars; one submission).

Allele frequency attached by ClinVar (database versions not stated): gnomAD exomes below 0.00001.
gnomAD v4.1: 1 of 1,613,556 alleles (0.000062%); highest among the groups gnomAD compares: Non-Finnish European, 0.000085%; no homozygotes.

Submission:

Labcorp Genetics (formerly Invitae), Labcorp
Classification: Uncertain significance. Last evaluated: 2024-12-23. Review status: criteria provided, single submitter. Criteria: Invitae Variant Classification Sherloc (09022015). Collection method: clinical testing. Allele origin: germline.
Comment: This sequence change replaces aspartic acid, which is acidic and polar, with asparagine, which is neutral and polar, at codon 941 of the MYO7A protein (p.Asp941Asn). This variant is not present in population databases (gnomAD no frequency). This variant has not been reported in the literature in individuals affected with MYO7A-related conditions. ClinVar contains an entry for this variant (Variation ID: 1929565). Invitae Evidence Modeling of protein sequence and biophysical properties (such as structural, functional, and spatial information, amino acid conservation, physicochemical variation, residue mobility, and thermodynamic stability) indicates that this missense variant is not expected to disrupt MYO7A protein function with a negative predictive value of 95%. In summary, the available evidence is currently insufficient to determine the role of this variant in disease. Therefore, it has been classified as a Variant of Uncertain Significance.

NM_000260.4(MYO7A):c.2821G>A (p.Asp941Asn)

Gene: MYO7A (myosin VIIA; plus strand). Cytogenetic location: 11q13.5.
Variant type: single nucleotide variant.
Coding change: c.2821G>A on transcript NM_000260.4 (MANE Select); coding-DNA position 2821, G replaced by A.
Protein change: p.Asp941Asn; replaces aspartic acid 941 with asparagine.
Molecular consequence: missense variant.
Genome position (GRCh38, 1-based): chr11:77,181,506, G>A. VCF-style: chr11-77181506-G-A. GRCh37 (hg19) VCF-style: chr11-76892552-G-A.
Other names: c.2821G>A, p.Asp941Asn (NM_001127180.2); c.2788G>A, p.Asp930Asn (NM_001369365.1); short protein forms D930N, D941N.
Identifiers: ClinVar variation 1929565 (VCV001929565.4), dbSNP rs1565410525, ClinGen allele CA381943031.